The following is an entry in ClinVar:

NM_001005361.3(DNM2):c.1558-7C>A

Gene: DNM2 (dynamin 2; plus strand). Cytogenetic location: 19p13.2.
Variant type: single nucleotide variant.
Coding change: c.1558-7C>A on transcript NM_001005361.3 (MANE Select); 7 bases into the intron before coding-DNA position 1558, C replaced by A.
Molecular consequence: intron variant.
Genome position (GRCh38, 1-based): chr19:10,812,257, C>A. VCF-style: chr19-10812257-C-A. GRCh37 (hg19) VCF-style: chr19-10922933-C-A.
Other names: c.1558-7C>A (NM_001005360.3, NM_001190716.2); c.1546-7C>A (NM_004945.4, NM_001005362.3).
Identifiers: ClinVar variation 700468 (VCV000700468.15), dbSNP rs184310103, ClinGen allele CA9201309.

ClinVar aggregate classification (germline): Benign/Likely benign. Review status: criteria provided, multiple submitters, no conflicts (2 of 4 stars). 4 submissions from 3 submitters: Benign (3); Likely benign (1). Last evaluated 2026-05-22.

Conditions:
DNM2-related disorder. Also called: DNM2-related condition.
Charcot-Marie-Tooth disease dominant intermediate B (CMTDIB). Also called: Charcot-Marie-Tooth disease dominant intermediate 1; CMT DI1; Charcot-Marie-Tooth disease dominant intermediate I; CHARCOT-MARIE-TOOTH NEUROPATHY, DOMINANT INTERMEDIATE B. Identifiers: Orphanet 100044, Orphanet 228179, MedGen C1847902, MONDO:0011674, OMIM 606482.
Autosomal dominant centronuclear myopathy. Also called: Myopathy, centronuclear, 3; MYOTUBULAR MYOPATHY, AUTOSOMAL DOMINANT. Identifiers: Orphanet 169189, MedGen C4551952, MeSH D020914, MONDO:0008048, OMIM 160150.

Allele frequency attached by ClinVar (database versions not stated): gnomAD 0.00006 and 0.00008; 1000 Genomes Project 0.00020; TOPMed 0.00023; 1000 Genomes Project 30x 0.00031; ExAC 0.00048.
gnomAD v4.1: 104 of 1,589,066 alleles (0.0065%); highest among the groups gnomAD compares: East Asian, 0.22%; 1 homozygote.

Submissions (5):

PreventionGenetics, part of Exact Sciences
Classification: Likely benign for DNM2-related condition. Last evaluated: 2026-05-22. Review status: criteria provided, single submitter. Criteria: ACMG Guidelines, 2015. Collection method: clinical testing. Allele origin: germline.
Comment: This variant is classified as likely benign based on ACMG/AMP sequence variant interpretation guidelines (Richards et al. 2015 PMID: 25741868, with internal and published modifications).

Labcorp Genetics (formerly Invitae), Labcorp
Classification: Benign for Charcot-Marie-Tooth disease dominant intermediate B. Last evaluated: 2025-10-08. Review status: criteria provided, single submitter. Criteria: Invitae Variant Classification Sherloc (09022015). Collection method: clinical testing. Allele origin: germline.

Illumina Laboratory Services, Illumina
Classification: Benign for Charcot-Marie-Tooth disease dominant intermediate B. Last evaluated: 2018-01-12. Review status: criteria provided, single submitter. Criteria: ICSL Variant Classification Criteria 13 December 2019. Collection method: clinical testing. Allele origin: germline.
Comment: This variant was observed in the ICSL laboratory as part of a predisposition screen in an ostensibly healthy population. It had not been previously curated by ICSL or reported in the Human Gene Mutation Database (HGMD: prior to June 1st, 2018), and was therefore a candidate for classification through an automated scoring system. Utilizing variant allele frequency, disease prevalence and penetrance estimates, and inheritance mode, an automated score was calculated to assess if this variant is too frequent to cause the disease. Based on the score and internal cut-off values, a variant classified as benign is not then subjected to further curation. The score for this variant resulted in a classification of benign for this disease.

Illumina Laboratory Services, Illumina
Classification: Benign for Autosomal dominant centronuclear myopathy. Last evaluated: 2018-01-12. Review status: criteria provided, single submitter. Criteria: ICSL Variant Classification Criteria 13 December 2019. Collection method: clinical testing. Allele origin: germline.
Comment: the same text as in the submission from Illumina Laboratory Services, Illumina above.

Dr. Peter K. Rogan Lab, Western University
No classification provided (evidence only). Condition: Malignant tumor of esophagus. Review status: no classification provided. Collection method: in vitro. Allele origin: not applicable. Functional consequence: skipped exon, retained intron. Not counted in ClinVar's aggregate classification.